The following is an entry in ClinVar:

ClinVar aggregate classification (germline): Pathogenic/Likely pathogenic. Review status: criteria provided, multiple submitters, no conflicts (2 of 4 stars). 7 submissions from 7 submitters: Pathogenic (1); Likely pathogenic (4). 2 of the submissions do not count toward it. Last evaluated 2026-08-06.

Conditions:
Butyrylcholinesterase deficiency, fluoride-resistant, Japanese type. Identifiers: MedGen C1867469.
Deficiency of butyrylcholinesterase (BCHED). Also called: Butyrylcholinesterase deficiency; Acholinesterasemia; BCHE, silent 1; Deficiency of butyrylcholine esterase. Identifiers: Orphanet 132, MedGen C1283400, MONDO:0015270, OMIM 617936.

Allele frequency attached by ClinVar (database versions not stated): 1000 Genomes Project 30x 0.00016; ExAC 0.00006; gnomAD exomes 0.00009; gnomAD 0.00001 and 0.00003; TOPMed 0.00002; 1000 Genomes Project 0.00020.
gnomAD v4.1: 131 of 1,613,798 alleles (0.0081%); highest among the groups gnomAD compares: East Asian, 0.27%; no homozygotes.

Submissions (7):

OLLIN Analises Genomicas, OLLIN
Classification: Likely pathogenic for Deficiency of butyrylcholinesterase. Last evaluated: 2026-08-06. Review status: criteria provided, single submitter. Criteria: ACMG Guidelines 2015 PMID 25741868. Collection method: clinical testing. Allele origin: germline. Inheritance: Autosomal recessive inheritance.
Comment: This missense variant, located in exon 2 (of 4), has been reported in ClinVar (accession VCV000013226.12), in gnomAD with an allele frequency of 0.0081%, and in the scientific literature, in compound heterozygosity, in individuals with BCHE related disorders (PMID: 12417112). In silico analysis is inconclusive regarding the impact of this variant; however, functional studies suggest that it may affect protein function (PMID: 12417112). According to the currently available evidence, this variant has been classified as likely pathogenic (PS3_P, PM2_P, PM3_S, PP4).

Department of Pathology and Laboratory Medicine, Sinai Health System
Classification: Likely pathogenic for butyrylcholinesterase deficiency. Last evaluated: 2023-01-13. Review status: criteria provided, single submitter. Criteria: ACMG Guidelines, 2015. Collection method: research. Allele origin: germline.

Women's Health and Genetics/Laboratory Corporation of America, LabCorp
Classification: Likely pathogenic for Deficiency of butyrylcholinesterase. Last evaluated: 2022-06-10. Review status: criteria provided, single submitter. Criteria: LabCorp Variant Classification Summary - May 2015. Collection method: clinical testing. Allele origin: germline.
Comment: Variant summary: BCHE c.1072T>A (p.Leu358Ile) results in a conservative amino acid change located in the Carboxylesterase, type B of the encoded protein sequence. Three of five in-silico tools predict a benign effect of the variant on protein function. The variant allele was found at a frequency of 8.8e-05 in 249532 control chromosomes. This frequency is not significantly higher than expected for a pathogenic variant in BCHE causing Deficiency Of Butyrylcholine Esterase (8.8e-05 vs 0.016), allowing no conclusion about variant significance. c.1072T>A has been reported in the literature in individuals affected with Deficiency Of Butyrylcholine Esterase (e.g. Iida_1995, Sudo_1997, Liu_2002). These data indicate that the variant is likely to be associated with disease. At least one publication reports experimental evidence evaluating an impact on protein function. The most pronounced variant effect results in 10%-<30% of normal activity (Sudo_1997, Liu_2002). Two clinical diagnostic laboratories have submitted clinical-significance assessments for this variant to ClinVar after 2014 without evidence for independent evaluation. One laboratory classified the variant as pathogenic, and one laboratory classified the variant as uncertain significance. Based on the evidence outlined above, the variant was classified as likely pathogenic.

Illumina Laboratory Services, Illumina
Classification: Pathogenic for Deficiency of butyrylcholinesterase. Last evaluated: 2017-05-05. Review status: criteria provided, single submitter. Criteria: ICSL Variant Classification Criteria 09 May 2019. Collection method: clinical testing. Allele origin: germline.
Comment: The BCHE c.1072T>A (p.Leu358Ile) missense variant, also known as p.Leu330Ile, has been reported in at least five studies and is found in a total of 15 individuals with butyrylcholinesterase deficiency, including in two in a homozygous state, in two in a compound heterozygous state, and in eleven in a heterozygous state (Iida et al. 1995; Maekawa et al. 1997; Sudo et al. 1997; Asanuma et al. 1999; Liu et al. 2002). Ten of the 11 heterozygous individuals had a moderate reduction of their serum cholinesterase activity, in contrast to the two homozygous and the two compound heterozygous individuals, who all had a severe reduction of their serum cholinesterase activity. Control data are unavailable for this variant, which is reported at a frequency of 0.00106 in the East Asian population of the Genome Aggregation Database. Expression in HEK293 cells revealed that p.Leu358Ile variant had 20% residual serum cholinesterase activity compared to wild type (Liu et al. 2002). Based on the collective evidence, the p.Leu358Ile variant is classified as pathogenic for butyrylcholinesterase deficiency. This variant was observed by ICSL as part of a predisposition screen in an ostensibly healthy population.

Juno Genomics, Hangzhou Juno Genomics, Inc
Classification: Likely pathogenic for Deficiency of butyrylcholinesterase. Review status: criteria provided, single submitter. Criteria: ACMG Guidelines, 2015. Collection method: clinical testing. Allele origin: germline. Affected: yes.
Comment: Absent from controls (or at extremely low frequency if recessive) in Genome Aggregation Database, Exome Sequencing Project, 1000 Genomes Project, or Exome Aggregation Consortium.;For recessive disorders, detected in trans with a pathogenic variant.;Patient's phenotype or family history is highly specific for a disease with a single genetic etiology.;Well-established in vitro or in vivo functional studies supportive of a damaging effect on the gene or gene product.

Counsyl
Classification: Uncertain significance for Deficiency of butyrylcholinesterase. Last evaluated: 2017-02-27. Review status: no assertion criteria provided. Collection method: clinical testing. Allele origin: unknown. Not counted in ClinVar's aggregate classification.

OMIM
Classification: Pathogenic for BUTYRYLCHOLINESTERASE DEFICIENCY, FLUORIDE-RESISTANT, JAPANESE TYPE. Last evaluated: 1997-11-17. Review status: no assertion criteria provided. Collection method: literature only. Allele origin: germline. Not counted in ClinVar's aggregate classification.

Literature cited by the submitters: PubMed 12417112 (cited by 3 submitters); PubMed 9191541 (cited by 3 submitters); PubMed 10404729 (cited by 3 submitters); PubMed 8680411 (cited by 3 submitters); PubMed 9388484 (cited by 4 submitters).

NM_000055.4(BCHE):c.1072T>A (p.Leu358Ile)

Gene: BCHE (butyrylcholinesterase; minus strand). Cytogenetic location: 3q26.1.
Variant type: single nucleotide variant.
Coding change: c.1072T>A on transcript NM_000055.4 (MANE Select); coding-DNA position 1072, T replaced by A.
Protein change: p.Leu358Ile; replaces leucine 358 with isoleucine.
Molecular consequence: missense variant. On other transcripts: non-coding transcript variant (1).
Genome position (GRCh38, 1-based): chr3:165,829,962, A>T on the plus strand (T>A on the coding strand, the complement: BCHE is on the minus strand). VCF-style: chr3-165829962-A-T. GRCh37 (hg19) VCF-style: chr3-165547750-A-T.
Other names: L330I; short protein forms L358I.
Identifiers: ClinVar variation 13226 (VCV000013226.14), dbSNP rs121918557, ClinGen allele CA122969.